The following is an entry in ClinVar:

ClinVar aggregate classification (germline): Conflicting classifications of pathogenicity. Review status: criteria provided, conflicting classifications (1 of 4 stars). 5 submissions from 5 submitters: Uncertain significance (3); Likely benign (2). Last evaluated 2026-01-19.

Conditions:
PLEC-related disorder. Also called: PLEC-related condition; PLEC-related disorders.
Autosomal recessive limb-girdle muscular dystrophy type 2Q (LGMDR17). Also called: MUSCULAR DYSTROPHY, LIMB-GIRDLE, AUTOSOMAL RECESSIVE 17. Identifiers: Orphanet 254361, MedGen C3150989, MONDO:0013390, OMIM 613723.
Epidermolysis bullosa simplex 5B, with muscular dystrophy (EBS5B). Also called: EPIDERMOLYSIS BULLOSA SIMPLEX AND LIMB-GIRDLE MUSCULAR DYSTROPHY; Epidermolysis bullosa simplex with muscular dystrophy. Identifiers: Orphanet 257, MedGen C2931072, MONDO:0009181, OMIM 226670.
Epidermolysis bullosa simplex, Ogna type (EBS5A). Also called: Pidermolysis bullosa simplex 5A, Ogna type; EPIDERMOLYSIS BULLOSA SIMPLEX 5A, OGNA TYPE. Identifiers: Orphanet 79401, MedGen C0432317, MONDO:0007555, OMIM 131950.
Epidermolysis bullosa simplex with nail dystrophy (EBS5D). Identifiers: MedGen C4225309, MONDO:0014661, OMIM 616487.
Epidermolysis bullosa simplex 5C, with pyloric atresia (EBS5C). Also called: PLEC-Related Epidermolysis Bullosa with Pyloric Atresia; Epidermolysis bullosa simplex with pyloric atresia; PLEC1-Related Epidermolysis Bullosa with Pyloric Atresia. Identifiers: Orphanet 158684, MedGen C2677349, MONDO:0012807, OMIM 612138.
Inborn genetic diseases. Identifiers: MedGen C0950123, MeSH D030342.

Allele frequency attached by ClinVar (database versions not stated): gnomAD exomes 0.00008; ExAC 0.00010; 1000 Genomes Project 0.00020; ESP Exome Variant Server 0.00024; 1000 Genomes Project 30x 0.00031; TOPMed 0.00035.
gnomAD v4.1: 89 of 1,602,782 alleles (0.0056%); highest among the groups gnomAD compares: African/African-American, 0.11%; no homozygotes.

Submissions (5):

Labcorp Genetics (formerly Invitae), Labcorp
Classification: Uncertain significance for Autosomal recessive limb-girdle muscular dystrophy type 2Q; Epidermolysis bullosa simplex, Ogna type; Epidermolysis bullosa simplex with nail dystrophy; Epidermolysis bullosa simplex 5C, with pyloric atresia; Epidermolysis bullosa simplex 5B, with muscular dystrophy. Last evaluated: 2026-01-19. Review status: criteria provided, single submitter. Criteria: Invitae Variant Classification Sherloc (09022015). Collection method: clinical testing. Allele origin: germline.
Comment: This sequence change replaces serine, which is neutral and polar, with asparagine, which is neutral and polar, at codon 3066 of the PLEC protein (p.Ser3066Asn). This variant is present in population databases (rs374776968, gnomAD 0.2%). This variant has not been reported in the literature in individuals affected with PLEC-related conditions. ClinVar contains an entry for this variant (Variation ID: 507416). An algorithm developed to predict the effect of missense changes on protein structure and function (PolyPhen-2) suggests that this variant is likely to be disruptive. In summary, the available evidence is currently insufficient to determine the role of this variant in disease. Therefore, it has been classified as a Variant of Uncertain Significance.

PreventionGenetics, part of Exact Sciences
Classification: Likely benign for PLEC-related condition. Last evaluated: 2025-02-11. Review status: criteria provided, single submitter. Criteria: ACMG Guidelines, 2015. Collection method: clinical testing. Allele origin: germline.
Comment: This variant is classified as likely benign based on ACMG/AMP sequence variant interpretation guidelines (Richards et al. 2015 PMID: 25741868, with internal and published modifications).

Ambry Genetics
Classification: Uncertain significance for Inborn genetic diseases. Last evaluated: 2023-11-06. Review status: criteria provided, single submitter. Criteria: Ambry Variant Classification Scheme 2023. Collection method: clinical testing. Allele origin: germline.

Revvity Omics, Revvity
Classification: Uncertain significance. Last evaluated: 2020-10-05. Review status: criteria provided, single submitter. Criteria: ACMG Guidelines, 2015. Collection method: clinical testing. Allele origin: germline.

GeneDx
Classification: Likely benign. Last evaluated: 2020-05-21. Review status: criteria provided, single submitter. Criteria: GeneDx Variant Classification Process June 2021. Collection method: clinical testing. Allele origin: germline. Affected: yes.

NM_201384.3(PLEC):c.9116G>A (p.Ser3039Asn)

Gene: PLEC (plectin; minus strand). Cytogenetic location: 8q24.3.
Variant type: single nucleotide variant.
Coding change: c.9116G>A on transcript NM_201384.3 (MANE Select); coding-DNA position 9116, G replaced by A.
Protein change: p.Ser3039Asn; replaces serine 3039 with asparagine.
Molecular consequence: missense variant.
Genome position (GRCh38, 1-based): chr8:143,920,705, C>T on the plus strand (G>A on the coding strand, the complement: PLEC is on the minus strand). VCF-style: chr8-143920705-C-T. GRCh37 (hg19) VCF-style: chr8-144994873-C-T.
Other names: c.9197G>A, p.Ser3066Asn (NM_000445.5); c.9074G>A, p.Ser3025Asn (NM_201378.4); c.9050G>A, p.Ser3017Asn (NM_201379.3); c.9527G>A, p.Ser3176Asn (NM_201380.4); c.9020G>A, p.Ser3007Asn (NM_201381.3); c.9116G>A, p.Ser3039Asn (NM_201382.4); c.9128G>A, p.Ser3043Asn (NM_201383.3); short protein forms S3007N, S3017N, S3025N, S3039N, S3043N, S3066N, S3176N.
Identifiers: ClinVar variation 507416 (VCV000507416.18), dbSNP rs374776968, ClinGen allele CA4925066.